The following is an entry in ClinVar:

NM_017777.4(MKS1):c.516-7C>A

Gene: MKS1 (MKS transition zone complex subunit 1; minus strand). Cytogenetic location: 17q22.
Variant type: single nucleotide variant.
Coding change: c.516-7C>A on transcript NM_017777.4 (MANE Select); 7 bases into the intron before coding-DNA position 516, C replaced by A.
Molecular consequence: intron variant.
Genome position (GRCh38, 1-based): chr17:58,214,394, G>T on the plus strand (C>A on the coding strand, the complement: MKS1 is on the minus strand). VCF-style: chr17-58214394-G-T. GRCh37 (hg19) VCF-style: chr17-56291755-G-T.
Other names: c.516-7C>A (NM_017777.3, NM_001330397.2, NM_001321269.2); c.-94-7C>A (NM_001321268.2).
Identifiers: ClinVar variation 1595062 (VCV001595062.9), dbSNP rs755511133, ClinGen allele CA8669481.

ClinVar aggregate classification (germline): Likely benign. Review status: criteria provided, single submitter (1 of 4 stars). 2 submissions from 2 submitters: Likely benign (1). 1 of the submissions does not count toward it. Last evaluated 2023-02-25.

Conditions:
MKS1-related disorder. Also called: MKS1-related condition; MKS1-related disorders. Identifiers: MedGen CN239382.
Joubert syndrome. Also called: JOUBERT-BOLTSHAUSER SYNDROME; Familial aplasia of the vermis. Identifiers: Orphanet 475, MedGen C5979921, MONDO:0018772.
Meckel-Gruber syndrome. Also called: GRUBER SYNDROME; Dysencephalia splachnocystica; DYSENCEPHALIA SPLANCHNOCYSTICA. Identifiers: Orphanet 564, MedGen C0265215, MONDO:0018921.

Allele frequency attached by ClinVar (database versions not stated): gnomAD 0.00001; gnomAD exomes 0.00001; TOPMed 0.00001; ExAC 0.00002.
gnomAD v4.1: 3 of 1,612,600 alleles (0.00019%); highest among the groups gnomAD compares: African/African-American, 0.0013%; no homozygotes.

Submissions (2):

Labcorp Genetics (formerly Invitae), Labcorp
Classification: Likely benign for Joubert syndrome; Meckel-Gruber syndrome. Last evaluated: 2023-02-25. Review status: criteria provided, single submitter. Criteria: Invitae Variant Classification Sherloc (09022015). Collection method: clinical testing. Allele origin: germline.

PreventionGenetics, part of Exact Sciences
Classification: Likely benign for MKS1-related condition. Last evaluated: 2022-02-15. Review status: no assertion criteria provided. Collection method: clinical testing. Allele origin: germline. Not counted in ClinVar's aggregate classification.
Comment: This variant is classified as likely benign based on ACMG/AMP sequence variant interpretation guidelines (Richards et al. 2015 PMID: 25741868, with internal and published modifications).